The following is an entry in ClinVar:

ClinVar aggregate classification (germline): Uncertain significance. Review status: criteria provided, multiple submitters, no conflicts (2 of 4 stars). 2 submissions from 2 submitters: Uncertain significance (2). Last evaluated 2025-08-10.

Conditions:
Inborn genetic diseases. Identifiers: MedGen C0950123, MeSH D030342.

gnomAD v4.1: 6 of 1,613,112 alleles (0.00037%); highest among the groups gnomAD compares: Middle Eastern, 0.017%; no homozygotes.

Submissions (2):

Ambry Genetics
Classification: Uncertain significance for Inborn genetic diseases. Last evaluated: 2025-08-10. Review status: criteria provided, single submitter. Criteria: Ambry Variant Classification Scheme 2023. Collection method: clinical testing. Allele origin: germline.

Labcorp Genetics (formerly Invitae), Labcorp
Classification: Uncertain significance. Last evaluated: 2025-02-06. Review status: criteria provided, single submitter. Criteria: Invitae Variant Classification Sherloc (09022015). Collection method: clinical testing. Allele origin: germline.
Comment: This sequence change replaces serine, which is neutral and polar, with arginine, which is basic and polar, at codon 558 of the LRPPRC protein (p.Ser558Arg). This variant is present in population databases (rs376787135, gnomAD 0.002%). This variant has not been reported in the literature in individuals affected with LRPPRC-related conditions. Invitae Evidence Modeling of protein sequence and biophysical properties (such as structural, functional, and spatial information, amino acid conservation, physicochemical variation, residue mobility, and thermodynamic stability) indicates that this missense variant is not expected to disrupt LRPPRC protein function with a negative predictive value of 80%. Algorithms developed to predict the effect of sequence changes on RNA splicing suggest that this variant may disrupt the consensus splice site. In summary, the available evidence is currently insufficient to determine the role of this variant in disease. Therefore, it has been classified as a Variant of Uncertain Significance.

NM_133259.4(LRPPRC):c.1674C>G (p.Ser558Arg)

Gene: LRPPRC (leucine rich pentatricopeptide repeat containing; minus strand). Cytogenetic location: 2p21.
Variant type: single nucleotide variant.
Coding change: c.1674C>G on transcript NM_133259.4 (MANE Select); coding-DNA position 1674, C replaced by G.
Protein change: p.Ser558Arg; replaces serine 558 with arginine.
Molecular consequence: missense variant.
Genome position (GRCh38, 1-based): chr2:43,950,576, G>C on the plus strand (C>G on the coding strand, the complement: LRPPRC is on the minus strand). VCF-style: chr2-43950576-G-C. GRCh37 (hg19) VCF-style: chr2-44177715-G-C.
Other names: short protein forms S558R.
Identifiers: ClinVar variation 4100023 (VCV004100023.2).